The following is an entry in ClinVar:

ClinVar aggregate classification (germline): Uncertain significance (1 of 4 stars; one submission).

Conditions:
Bethlem myopathy 1A. Also called: MYOPATHY, BENIGN CONGENITAL, WITH CONTRACTURES; Bethlem myopathy 1; Bethlem Muscular Dystrophy. Identifiers: Orphanet 610, MedGen CN029274, MONDO:0024530, OMIM 158810.

gnomAD v4.1: 2 of 1,592,668 alleles (0.00013%); highest among the groups gnomAD compares: Non-Finnish European, 0.000085%; no homozygotes.

Submission:

Neuberg Centre For Genomic Medicine, NCGM
Classification: Uncertain significance for Bethlem myopathy 1A. Review status: criteria provided, single submitter. Criteria: ACMG Guidelines, 2015. Collection method: clinical testing. Allele origin: germline. Inheritance: Autosomal recessive inheritance. Affected: yes.
Comment: The observed splice region variant c.1740+5G>A in the COL6A1 gene has not been reported previously as a pathogenic variant nor as a benign variant, to our knowledge. This variant is absent in the gnomAD Exomes. This splice region variant in intron 26 affects the position five nucleotides downstream of exon 26. The variant is predicted to be damaging by SpliceAI prediction tool. For these reasons, this variant has been classified as Uncertain Significance VUS.

NM_001848.3(COL6A1):c.1740+5G>A

Gene: COL6A1 (collagen type VI alpha 1 chain; plus strand). Cytogenetic location: 21q22.3.
Variant type: single nucleotide variant.
Coding change: c.1740+5G>A on transcript NM_001848.3 (MANE Select); 5 bases into the intron after coding-DNA position 1740, G replaced by A.
Molecular consequence: intron variant.
Genome position (GRCh38, 1-based): chr21:45,999,223, G>A. VCF-style: chr21-45999223-G-A. GRCh37 (hg19) VCF-style: chr21-47419137-G-A.
Identifiers: ClinVar variation 3391332 (VCV003391332.1).